The following is an entry in ClinVar:

NM_000057.4(BLM):c.841C>T (p.His281Tyr)

Gene: BLM (BLM RecQ like helicase; plus strand). Cytogenetic location: 15q26.1.
Variant type: single nucleotide variant.
Coding change: c.841C>T on transcript NM_000057.4 (MANE Select); coding-DNA position 841, C replaced by T.
Protein change: p.His281Tyr; replaces histidine 281 with tyrosine.
Molecular consequence: missense variant. On other transcripts: 5 prime UTR variant (1).
Genome position (GRCh38, 1-based): chr15:90,751,828, C>T. VCF-style: chr15-90751828-C-T. GRCh37 (hg19) VCF-style: chr15-91295058-C-T.
Other names: c.841C>T, p.His281Tyr (NM_001287246.2, NM_001287247.2); c.-451C>T (NM_001287248.2); short protein forms H281Y.
Identifiers: ClinVar variation 1987689 (VCV001987689.4), dbSNP rs1567036590, ClinGen allele CA393841708.

ClinVar aggregate classification (germline): Uncertain significance (1 of 4 stars; one submission).

Conditions:
Bloom syndrome (BLM). Also called: Bloom-Torre-Machacek syndrome. Identifiers: Orphanet 125, MedGen C0005859, MONDO:0008876, OMIM 210900.

gnomAD v4.1: 1 of 1,612,618 alleles (0.000062%); no homozygotes.

Submission:

Labcorp Genetics (formerly Invitae), Labcorp
Classification: Uncertain significance for Bloom syndrome. Last evaluated: 2022-09-05. Review status: criteria provided, single submitter. Criteria: Invitae Variant Classification Sherloc (09022015). Collection method: clinical testing. Allele origin: germline.
Comment: This sequence change replaces histidine, which is basic and polar, with tyrosine, which is neutral and polar, at codon 281 of the BLM protein (p.His281Tyr). This variant is not present in population databases (gnomAD no frequency). This variant has not been reported in the literature in individuals affected with BLM-related conditions. Algorithms developed to predict the effect of missense changes on protein structure and function output the following: SIFT: "Tolerated"; PolyPhen-2: "Benign"; Align-GVGD: "Class C0". The tyrosine amino acid residue is found in multiple mammalian species, which suggests that this missense change does not adversely affect protein function. In summary, the available evidence is currently insufficient to determine the role of this variant in disease. Therefore, it has been classified as a Variant of Uncertain Significance.